The following is an entry in ClinVar:

ClinVar aggregate classification (germline): other (0 of 4 stars; one submission).

Conditions:
Familial colorectal cancer. Identifiers: MedGen CN280943, MONDO:0023113. Disease mechanism: loss of function.

Submission:

Systems Biology Platform Zhejiang California International NanoSystems Institute
Classification: other for Familial colorectal cancer. Review status: no assertion criteria provided. Collection method: not provided. Allele origin: unknown.
ClinVar note: Converted during submission from cancer to other.

NM_000038.6(APC):c.834+1020G>T

Gene: APC (APC regulator of WNT signaling pathway; plus strand). Cytogenetic location: 5q22.2.
Variant type: single nucleotide variant.
Coding change: c.834+1020G>T on transcript NM_000038.6 (MANE Select); 1020 bases into the intron after coding-DNA position 834, G replaced by T.
Molecular consequence: intron variant.
Genome position (GRCh38, 1-based): chr5:112,802,403, G>T. VCF-style: chr5-112802403-G-T. GRCh37 (hg19) VCF-style: chr5-112138100-G-T.
Other names: c.834+1020G>T (NM_001354895.2, NM_001127510.3, NM_001354896.2 and 1 more transcripts); c.864+1020G>T (NM_001354897.2, NM_001354902.2); c.780+1020G>T (NM_001127511.3); c.759+1020G>T (NM_001354898.2, NM_001354904.2); c.-202+1020G>T (NM_001354906.2); c.750+1020G>T (NM_001354899.2); c.657+1020G>T (NM_001354900.2, NM_001354901.2, NM_001354905.2).
Identifiers: ClinVar variation 82514 (VCV000082514.2), dbSNP rs74882548, ClinGen allele CA014569.